The following is an entry in ClinVar:

ClinVar aggregate classification (germline): Pathogenic. Review status: criteria provided, multiple submitters, no conflicts (2 of 4 stars). 3 submissions from 3 submitters: Pathogenic (3). Last evaluated 2023-06-27.

Conditions:
Duchenne muscular dystrophy (DMD). Also called: Duchenne Muscular Dystrophy (DMD); MUSCULAR DYSTROPHY, PSEUDOHYPERTROPHIC PROGRESSIVE, DUCHENNE TYPE. Identifiers: Orphanet 98896, MedGen C0013264, MONDO:0010679, OMIM 310200.
Abnormality of the musculature. Identifiers: MedGen C4021745, HP:0003011.

Submissions (3):

Labcorp Genetics (formerly Invitae), Labcorp
Classification: Pathogenic for Duchenne muscular dystrophy. Last evaluated: 2023-06-27. Review status: criteria provided, single submitter. Criteria: Invitae Variant Classification Sherloc (09022015). Collection method: clinical testing. Allele origin: germline.
Comment: For these reasons, this variant has been classified as Pathogenic. This variant is not present in population databases (gnomAD no frequency). This sequence change creates a premature translational stop signal (p.Gln678*) in the DMD gene. It is expected to result in an absent or disrupted protein product. Loss-of-function variants in DMD are known to be pathogenic (PMID: 16770791, 25007885). ClinVar contains an entry for this variant (Variation ID: 94489). This premature translational stop signal has been observed in individual(s) with DMD-related conditions (PMID: 23536893).

Kariminejad - Najmabadi Pathology & Genetics Center
Classification: Pathogenic for Abnormality of the musculature. Last evaluated: 2021-07-10. Review status: criteria provided, single submitter. Criteria: ACMG Guidelines, 2015. Collection method: clinical testing. Allele origin: germline. Affected: yes.

Eurofins Ntd Llc (ga)
Classification: Pathogenic. Last evaluated: 2012-10-05. Review status: criteria provided, single submitter. Criteria: EGL Classification Definitions 2015. Collection method: clinical testing. Allele origin: germline. Observed: 1 variant allele, 1 heterozygote.

Literature cited by the submitters: PubMed 16770791 (cited by Labcorp Genetics (formerly Invitae), Labcorp); PubMed 25007885 (cited by Labcorp Genetics (formerly Invitae), Labcorp); PubMed 23536893 (cited by Labcorp Genetics (formerly Invitae), Labcorp).

NM_004006.3(DMD):c.2032C>T (p.Gln678Ter)

Gene: DMD (dystrophin; minus strand). Cytogenetic location: Xp21.1.
Variant type: single nucleotide variant.
Coding change: c.2032C>T on transcript NM_004006.3 (MANE Select); coding-DNA position 2032, C replaced by T.
Protein change: p.Gln678Ter; replaces glutamine 678 with a stop codon.
Molecular consequence: nonsense.
Genome position (GRCh38, 1-based): chrX:32,545,295, G>A on the plus strand (C>T on the coding strand, the complement: DMD is on the minus strand). VCF-style: chrX-32545295-G-A. GRCh37 (hg19) VCF-style: chrX-32563412-G-A.
Other names: NP_003997.1:p.Gln678*; c.2008C>T, p.Gln670Ter (NM_000109.4); c.2020C>T, p.Gln674Ter (NM_004009.3); c.1663C>T, p.Gln555Ter (NM_004010.3); short protein forms Q678*, Q555*, Q670*, Q674*.
Identifiers: ClinVar variation 94489 (VCV000094489.29), dbSNP rs398123872, ClinGen allele CA266915.